The following is an entry in ClinVar:

ClinVar aggregate classification (germline): Likely benign (0 of 4 stars; one submission).

Conditions:
LEPR-related disorder. Also called: LEPR-related condition; LEPR-related disorders.

gnomAD v4.1: 4 of 1,614,104 alleles (0.00025%); highest among the groups gnomAD compares: Non-Finnish European, 0.00034%; no homozygotes.

Submission:

PreventionGenetics, part of Exact Sciences
Classification: Likely benign for LEPR-related condition. Last evaluated: 2024-08-08. Review status: no assertion criteria provided. Collection method: clinical testing. Allele origin: germline.
Comment: This variant is classified as likely benign based on ACMG/AMP sequence variant interpretation guidelines (Richards et al. 2015 PMID: 25741868, with internal and published modifications).

NM_002303.6(LEPR):c.1563A>G (p.Ser521=)

Gene: LEPR (leptin receptor; plus strand). Cytogenetic location: 1p31.3.
Variant type: single nucleotide variant.
Coding change: c.1563A>G on transcript NM_002303.6 (MANE Select); coding-DNA position 1563, A replaced by G.
Protein change: p.Ser521=; no amino-acid change (serine 521 retained).
Molecular consequence: synonymous variant.
Genome position (GRCh38, 1-based): chr1:65,605,197, A>G. VCF-style: chr1-65605197-A-G. GRCh37 (hg19) VCF-style: chr1-66070880-A-G.
Other names: c.1563A>G, p.Ser521= (NM_001003679.3, NM_001003680.3, NM_001198687.2 and 2 more transcripts).
Identifiers: ClinVar variation 3357440 (VCV003357440.1).
Genomic context (GRCh38, chr1:65,605,197, plus strand): 5'-GCCAATCTTCCTATTATCTGGCTACACAATGTGGATTAGGATCAATCACTCTCTAGGTTC[A>G]CTTGACTCTCCACCAACATGTGTCCTTCCTGATTCTGTGGGTATGTCAAGCTGCGTTGTG-3'
Protein context (NP_002294.2, residues 511-531): MWIRINHSLG[Ser521=]LDSPPTCVLP